The following is an entry in ClinVar:

ClinVar aggregate classification (germline): Likely benign. Review status: criteria provided, single submitter (1 of 4 stars). 2 submissions from 2 submitters: Likely benign (1). 1 of the submissions does not count toward it. Last evaluated 2025-09-12.

Conditions:
DNAH9-related disorder. Also called: DNAH9-related condition.

Allele frequency attached by ClinVar (database versions not stated): TOPMed 0.00002; ExAC 0.00006.
gnomAD v4.1: 34 of 1,613,890 alleles (0.0021%); highest among the groups gnomAD compares: Admixed American, 0.018%; no homozygotes.

Submissions (2):

Labcorp Genetics (formerly Invitae), Labcorp
Classification: Likely benign. Last evaluated: 2025-09-12. Review status: criteria provided, single submitter. Criteria: Invitae Variant Classification Sherloc (09022015). Collection method: clinical testing. Allele origin: germline.

PreventionGenetics, part of Exact Sciences
Classification: Likely benign for DNAH9-related condition. Last evaluated: 2023-01-27. Review status: no assertion criteria provided. Collection method: clinical testing. Allele origin: germline. Not counted in ClinVar's aggregate classification.
Comment: This variant is classified as likely benign based on ACMG/AMP sequence variant interpretation guidelines (Richards et al. 2015 PMID: 25741868, with internal and published modifications).

NM_001372.4(DNAH9):c.9213C>T (p.Asn3071=)

Gene: DNAH9 (dynein axonemal heavy chain 9; plus strand). Cytogenetic location: 17p12.
Variant type: single nucleotide variant.
Coding change: c.9213C>T on transcript NM_001372.4 (MANE Select); coding-DNA position 9213, C replaced by T.
Protein change: p.Asn3071=; no amino-acid change (asparagine 3071 retained).
Molecular consequence: synonymous variant.
Genome position (GRCh38, 1-based): chr17:11,823,001, C>T. VCF-style: chr17-11823001-C-T. GRCh37 (hg19) VCF-style: chr17-11726318-C-T.
Other names: c.9213C>T (NM_001372.3).
Identifiers: ClinVar variation 2152822 (VCV002152822.6), dbSNP rs746628626, ClinGen allele CA8397161.